The following is an entry in ClinVar:

NM_000038.6(APC):c.2093T>G (p.Leu698Ter)

Gene: APC (APC regulator of Wnt signaling pathway; plus strand). Cytogenetic location: 5q22.2.
Variant type: single nucleotide variant.
Coding change: c.2093T>G on transcript NM_000038.6 (MANE Select); coding-DNA position 2093, T replaced by G.
Protein change: p.Leu698Ter; replaces leucine 698 with a stop codon.
Molecular consequence: nonsense.
Genome position (GRCh38, 1-based): chr5:112,837,687, T>G. VCF-style: chr5-112837687-T-G. GRCh37 (hg19) VCF-style: chr5-112173384-T-G.
Other names: c.2093T>G, p.Leu698Ter (NM_001127510.3, NM_001354895.2); c.2039T>G, p.Leu680Ter (NM_001127511.3); c.2147T>G, p.Leu716Ter (NM_001354896.2); c.2123T>G, p.Leu708Ter (NM_001354897.2); c.2018T>G, p.Leu673Ter (NM_001354898.2); c.2009T>G, p.Leu670Ter (NM_001354899.2); c.1970T>G, p.Leu657Ter (NM_001354900.2); c.1916T>G, p.Leu639Ter (NM_001354901.2); and 5 more; short protein forms L680*, L698*, L538*, L657*, L597*, L607*, L673*, L716*.
Identifiers: ClinVar variation 433631 (VCV000433631.5), dbSNP rs137854582, ClinGen allele CA16025901.
Genomic context (GRCh38, chr5:112,837,687, plus strand): 5'-GTAATGCATGTGGAACTTTGTGGAATCTCTCAGCAAGAAATCCTAAAGACCAGGAAGCAT[T>G]ATGGGACATGGGGGCAGTTAGCATGCTCAAGAACCTCATTCATTCAAAGCACAAAATGAT-3'

ClinVar aggregate classification (germline): Pathogenic. Review status: criteria provided, multiple submitters, no conflicts (2 of 4 stars). 3 submissions from 3 submitters: Pathogenic (2). 1 of the submissions does not count toward it. Last evaluated 2023-05-04.

Conditions:
Hereditary cancer-predisposing syndrome. Also called: Hereditary Cancer Syndrome; Hereditary neoplastic syndrome; Neoplastic Syndromes, Hereditary; Tumor predisposition. Identifiers: Orphanet 140162, MedGen C0027672, MeSH D009386, MONDO:0015356.
Familial adenomatous polyposis 1 (FAP1). Also called: POLYPOSIS, ADENOMATOUS INTESTINAL; FAMILIAL ADENOMATOUS POLYPOSIS 1, ATTENUATED. Identifiers: MedGen C2713442, MONDO:0021056, OMIM 175100. Disease mechanism: loss of function.

Submissions (3):

Myriad Genetics, Inc.
Classification: Pathogenic for Familial adenomatous polyposis 1. Last evaluated: 2023-05-04. Review status: criteria provided, single submitter. Criteria: Myriad Autosomal Dominant, Autosomal Recessive and X-Linked Classification Criteria (2023). Collection method: clinical testing. Allele origin: unknown.
Comment: This variant is considered pathogenic. This variant creates a termination codon and is predicted to result in premature protein truncation.

Ambry Genetics
Classification: Pathogenic for Hereditary cancer-predisposing syndrome. Last evaluated: 2022-06-03. Review status: criteria provided, single submitter. Criteria: Ambry Variant Classification Scheme 2023. Collection method: clinical testing. Allele origin: germline.
Comment: The p.L698* pathogenic mutation (also known as c.2093T>G), located in coding exon 15 of the APC gene, results from a T to G substitution at nucleotide position 2093. This changes the amino acid from a leucine to a stop codon within coding exon 15. This alteration occurs at the 3' terminus of theAPC gene, is not expected to trigger nonsense-mediated mRNA decay, and impacts the last 2146 amino acids of the protein. However, premature stop codons are typically deleterious in nature and the impacted region is critical for protein function and a significant portion of the protein is affected (Ambry internal data). This mutation has been reported in patients and families with familial adenomatous polyposis (FAP) (Soravia C et al. Am J Pathol, 1999 Jan;154:127-35; Delker DA et al. Cancer Prev Res (Phila), 2018 01;11:4-15). This variant is considered to be rare based on population cohorts in the Genome Aggregation Database (gnomAD). Based on the supporting evidence, this alteration is interpreted as a disease-causing mutation.

Department of Pathology and Laboratory Medicine, Sinai Health System
Classification: Pathogenic. Review status: no assertion criteria provided. Collection method: clinical testing. Allele origin: unknown. Affected: yes. Study: The Canadian Open Genetics Repository (COGR). Not counted in ClinVar's aggregate classification.

Literature cited by the submitters: PubMed 29109117 (cited by Ambry Genetics); PubMed 9916927 (cited by Ambry Genetics).